The following is an entry in ClinVar:

NM_001165963.4(SCN1A):c.5093A>G (p.Glu1698Gly)

Genes: SCN1A (sodium voltage-gated channel alpha subunit 1; minus strand), LOC102724058 (uncharacterized LOC102724058; plus strand). Cytogenetic location: 2q24.3.
Variant type: single nucleotide variant.
Coding change: c.5093A>G on transcript NM_001165963.4 (MANE Select); coding-DNA position 5093, A replaced by G.
Protein change: p.Glu1698Gly; replaces glutamic acid 1698 with glycine.
Molecular consequence: missense variant. On other transcripts: non-coding transcript variant (1).
Genome position (GRCh38, 1-based): chr2:165,992,182, T>C on the plus strand (A>G on the coding strand, the complement: SCN1A is on the minus strand). VCF-style: chr2-165992182-T-C. GRCh37 (hg19) VCF-style: chr2-166848692-T-C.
Other names: c.5009A>G, p.Glu1670Gly (NM_001165964.3, NM_001353957.2, NM_001353958.2); c.5093A>G, p.Glu1698Gly (NM_001202435.3, NM_001353948.2); c.5060A>G, p.Glu1687Gly (NM_001353949.2, NM_001353952.2, NM_001353950.2 and 2 more transcripts); c.5057A>G, p.Glu1686Gly (NM_001353954.2, NM_001353955.2); c.5006A>G, p.Glu1669Gly (NM_001353960.2); c.2651A>G, p.Glu884Gly (NM_001353961.2); short protein forms E1669G, E1670G, E1686G, E1687G, E1698G, E884G.
Identifiers: ClinVar variation 1801500 (VCV001801500.3), dbSNP rs1306641493, ClinGen allele CA349069248.

ClinVar aggregate classification (germline): Uncertain significance. Review status: criteria provided, multiple submitters, no conflicts (2 of 4 stars). 2 submissions from 2 submitters: Uncertain significance (2). Last evaluated 2024-10-23.

Conditions:
Early-infantile DEE. Also called: Ohtahara syndrome; Early infantile epileptic encephalopathy with suppression bursts; Early infantile epileptic encephalopathy. Identifiers: Orphanet 1934, MedGen C0393706, MONDO:0800491.

Submissions (2):

Labcorp Genetics (formerly Invitae), Labcorp
Classification: Uncertain significance for Early-infantile DEE. Last evaluated: 2024-10-23. Review status: criteria provided, single submitter. Criteria: Invitae Variant Classification Sherloc (09022015). Collection method: clinical testing. Allele origin: germline.
Comment: This sequence change replaces glutamic acid, which is acidic and polar, with glycine, which is neutral and non-polar, at codon 1698 of the SCN1A protein (p.Glu1698Gly). This variant is not present in population databases (gnomAD no frequency). This missense change has been observed in individual(s) with multiple congenital anomalies (PMID: 36672823). ClinVar contains an entry for this variant (Variation ID: 1801500). Invitae Evidence Modeling of protein sequence and biophysical properties (such as structural, functional, and spatial information, amino acid conservation, physicochemical variation, residue mobility, and thermodynamic stability) has been performed for this missense variant. However, the output from this modeling did not meet the statistical confidence thresholds required to predict the impact of this variant on SCN1A protein function. In summary, the available evidence is currently insufficient to determine the role of this variant in disease. Therefore, it has been classified as a Variant of Uncertain Significance.

Cytogenetics and Genomics Lab, Cyprus Institute Of Neurology and Genetics
Classification: Uncertain significance. Last evaluated: 2022-10-24. Review status: criteria provided, single submitter. Criteria: ACGS Guidelines, 2020. Collection method: research. Allele origin: germline.

Literature cited by the submitters: PubMed 36672823 (cited by Labcorp Genetics (formerly Invitae), Labcorp).